The following is an entry in ClinVar:

NM_004329.3(BMPR1A):c.1163A>T (p.Asn388Ile)

Gene: BMPR1A (bone morphogenetic protein receptor type 1A; plus strand). Cytogenetic location: 10q23.2.
Variant type: single nucleotide variant.
Coding change: c.1163A>T on transcript NM_004329.3 (MANE Select); coding-DNA position 1163, A replaced by T.
Protein change: p.Asn388Ile; replaces asparagine 388 with isoleucine.
Molecular consequence: missense variant.
Genome position (GRCh38, 1-based): chr10:86,919,466, A>T. VCF-style: chr10-86919466-A-T. GRCh37 (hg19) VCF-style: chr10-88679223-A-T.
Other names: c.1163A>T (NM_004329.2); short protein forms N388I.
Identifiers: ClinVar variation 1034466 (VCV001034466.11), dbSNP rs1843628997, ClinGen allele CA377461347.

ClinVar aggregate classification (germline): Uncertain significance. Review status: criteria provided, multiple submitters, no conflicts (2 of 4 stars). 2 submissions from 2 submitters: Uncertain significance (2). Last evaluated 2024-12-23.

Conditions:
Juvenile polyposis syndrome (JPS). Identifiers: Orphanet 2929, MedGen C0345893, MONDO:0017380, OMIM 174900.
Hereditary cancer-predisposing syndrome. Also called: Neoplastic Syndromes, Hereditary; Hereditary Cancer Syndrome; Tumor predisposition; Hereditary neoplastic syndrome. Identifiers: Orphanet 140162, MedGen C0027672, MeSH D009386, MONDO:0015356.

Submissions (2):

Ambry Genetics
Classification: Uncertain significance for Hereditary cancer-predisposing syndrome. Last evaluated: 2024-12-23. Review status: criteria provided, single submitter. Criteria: Ambry Variant Classification Scheme 2023. Collection method: clinical testing. Allele origin: germline.
Comment: The p.N388I variant (also known as c.1163A>T), located in coding exon 8 of the BMPR1A gene, results from an A to T substitution at nucleotide position 1163. The asparagine at codon 388 is replaced by isoleucine, an amino acid with dissimilar properties. This amino acid position is conserved. In addition, this alteration is predicted to be deleterious by in silico analysis. Based on the available evidence, the clinical significance of this variant remains unclear.

Labcorp Genetics (formerly Invitae), Labcorp
Classification: Uncertain significance for Juvenile polyposis syndrome. Last evaluated: 2020-02-06. Review status: criteria provided, single submitter. Criteria: Invitae Variant Classification Sherloc (09022015). Collection method: clinical testing. Allele origin: germline.
Comment: This variant is not present in population databases (ExAC no frequency). This sequence change replaces asparagine with isoleucine at codon 388 of the BMPR1A protein (p.Asn388Ile). The asparagine residue is highly conserved and there is a large physicochemical difference between asparagine and isoleucine. This variant has not been reported in the literature in individuals with BMPR1A-related conditions. In summary, the available evidence is currently insufficient to determine the role of this variant in disease. Therefore, it has been classified as a Variant of Uncertain Significance. Algorithms developed to predict the effect of missense changes on protein structure and function (SIFT, PolyPhen-2, Align-GVGD) all suggest that this variant is likely to be disruptive, but these predictions have not been confirmed by published functional studies and their clinical significance is uncertain.